The following is an entry in ClinVar:

ClinVar aggregate classification (germline): Uncertain significance. Review status: criteria provided, multiple submitters, no conflicts (2 of 4 stars). 2 submissions from 2 submitters: Uncertain significance (2). Last evaluated 2025-03-31.

Conditions:
Inborn genetic diseases. Identifiers: MedGen C0950123, MeSH D030342.

Allele frequency attached by ClinVar (database versions not stated): TOPMed below 0.00001; gnomAD exomes 0.00001 and below 0.00001.
gnomAD v4.1: 2 of 1,608,640 alleles (0.00012%); highest among the groups gnomAD compares: East Asian, 0.0022%; no homozygotes.

Submissions (2):

Ambry Genetics
Classification: Uncertain significance for Inborn genetic diseases. Last evaluated: 2025-03-31. Review status: criteria provided, single submitter. Criteria: Ambry Variant Classification Scheme 2023. Collection method: clinical testing. Allele origin: germline.

Labcorp Genetics (formerly Invitae), Labcorp
Classification: Uncertain significance. Last evaluated: 2021-11-13. Review status: criteria provided, single submitter. Criteria: Invitae Variant Classification Sherloc (09022015). Collection method: clinical testing. Allele origin: germline.
Comment: In summary, the available evidence is currently insufficient to determine the role of this variant in disease. Therefore, it has been classified as a Variant of Uncertain Significance. Algorithms developed to predict the effect of missense changes on protein structure and function are either unavailable or do not agree on the potential impact of this missense change (SIFT: "Deleterious"; PolyPhen-2: "Benign"; Align-GVGD: "Class C0"). This variant has not been reported in the literature in individuals affected with SZT2-related conditions. The frequency data for this variant in the population databases is considered unreliable, as metrics indicate poor data quality at this position in the gnomAD database. This sequence change replaces alanine, which is neutral and non-polar, with valine, which is neutral and non-polar, at codon 1016 of the SZT2 protein (p.Ala1016Val).

NM_001365999.1(SZT2):c.3218C>T (p.Ala1073Val)

Gene: SZT2 (SZT2 subunit of KICSTOR complex; plus strand). Cytogenetic location: 1p34.2.
Variant type: single nucleotide variant.
Coding change: c.3218C>T on transcript NM_001365999.1 (MANE Select); coding-DNA position 3218, C replaced by T.
Protein change: p.Ala1073Val; replaces alanine 1073 with valine.
Molecular consequence: missense variant.
Genome position (GRCh38, 1-based): chr1:43,426,718, C>T. VCF-style: chr1-43426718-C-T. GRCh37 (hg19) VCF-style: chr1-43892389-C-T.
Other names: c.3047C>T, p.Ala1016Val (NM_015284.4); c.3047C>T (NM_015284.3); short protein forms A1016V, A1073V.
Identifiers: ClinVar variation 1516913 (VCV001516913.7), dbSNP rs1158292616, ClinGen allele CA340016469.
Genomic context (GRCh38, chr1:43,426,718, plus strand): 5'-GAGTCCCGCCTCTCTGCTGGCCCTGCCCTCTTTCACCCATCTCTACCCCCATTGTAGGTG[C>T]CGAGGGGCCACTGCTGGGGGTTCATGGGATCCCGAAGGAGCAAGCAGTCGGCAGCACCCA-3'
Protein context (NP_001352928.1, residues 1063-1083): VLRRTCHVPG[Ala1073Val]EGPLLGVHGI